The following is an entry in ClinVar:

ClinVar aggregate classification (germline): Benign/Likely benign. Review status: criteria provided, multiple submitters, no conflicts (2 of 4 stars). 8 submissions from 8 submitters: Benign (6); Likely benign (2). Last evaluated 2026-02-04.

Conditions:
Primary ciliary dyskinesia 7. Also called: CILIARY DYSKINESIA, PRIMARY, 7, WITH OR WITHOUT SITUS INVERSUS. Identifiers: Orphanet 244, MedGen C2678473, MONDO:0012748, OMIM 611884.
Primary ciliary dyskinesia. Also called: Ciliary dyskinesia. Identifiers: Orphanet 244, MedGen C0008780, MONDO:0016575, HP:0012265.

Allele frequency attached by ClinVar (database versions not stated): 1000 Genomes Project 0.22045; 1000 Genomes Project 30x 0.22548; TOPMed 0.32319; gnomAD 0.33726 and 0.34362; ESP Exome Variant Server 0.35193; ExAC 0.35292; gnomAD exomes 0.35435 and 0.40637.
gnomAD v4.1: 643,908 of 1,613,428 alleles (40%); highest among the groups gnomAD compares: Non-Finnish European, 44%; 136,336 homozygotes.

Submissions (8):

Labcorp Genetics (formerly Invitae), Labcorp
Classification: Benign for Primary ciliary dyskinesia. Last evaluated: 2026-02-04. Review status: criteria provided, single submitter. Criteria: Invitae Variant Classification Sherloc (09022015). Collection method: clinical testing. Allele origin: germline.

Blueprint Genetics
Classification: Likely benign. Last evaluated: 2024-11-27. Review status: criteria provided, single submitter. Criteria: ACMG Guidelines, 2015. Collection method: clinical testing. Allele origin: germline.

Mayo Clinic Laboratories, Mayo Clinic
Classification: Benign. Last evaluated: 2022-04-26. Review status: criteria provided, single submitter. Criteria: ACMG Guidelines, 2015. Collection method: clinical testing. Allele origin: germline. Observed: 125 variant alleles.

Genome-Nilou Lab
Classification: Benign for Primary ciliary dyskinesia 7. Last evaluated: 2021-07-30. Review status: criteria provided, single submitter. Criteria: ACMG Guidelines, 2015. Collection method: clinical testing. Allele origin: germline. Affected: no.

GeneDx
Classification: Benign. Last evaluated: 2019-01-21. Review status: criteria provided, single submitter. Criteria: GeneDx Variant Classification Process June 2021. Collection method: clinical testing. Allele origin: germline. Affected: yes.
Comment: This variant is associated with the following publications: (PMID: 12142464)

Laboratory for Molecular Medicine, Mass General Brigham Personalized Medicine
Classification: Benign. Last evaluated: 2013-02-21. Review status: criteria provided, single submitter. Criteria: LMM Criteria. Collection method: clinical testing. Allele origin: germline. Observed: 70 variant alleles.
Comment: Val1023Ala in exon 16 of DNAH11: This variant is not expected to have clinical s ignificance because it has been identified in 43.4% (3630/8356) of European Amer ican chromosomes from a broad population by the NHLBI Exome Sequencing Project (dbSNP rs10269582).

Breakthrough Genomics
Classification: Likely benign. Review status: criteria provided, single submitter. Criteria: ACMG Guidelines, 2015. Collection method: not provided. Allele origin: germline. Inheritance: Autosomal recessive inheritance. Affected: yes.

PreventionGenetics, part of Exact Sciences
Classification: Benign. Review status: criteria provided, single submitter. Criteria: ACMG Guidelines, 2015. Collection method: clinical testing. Allele origin: germline.

NM_001277115.2(DNAH11):c.3068T>C (p.Val1023Ala)

Genes: DNAH11 (dynein axonemal heavy chain 11; plus strand), LOC126859961 (BRD4-independent group 4 enhancer GRCh37_chr7:21639662-21640861; plus strand). Cytogenetic location: 7p15.3.
Variant type: single nucleotide variant.
Coding change: c.3068T>C on transcript NM_001277115.2 (MANE Select); coding-DNA position 3068, T replaced by C.
Protein change: p.Val1023Ala; replaces valine 1023 with alanine.
Molecular consequence: missense variant.
Genome position (GRCh38, 1-based): chr7:21,600,743, T>C. VCF-style: chr7-21600743-T-C. GRCh37 (hg19) VCF-style: chr7-21640361-T-C.
Other names: short protein forms V1023A.
Identifiers: ClinVar variation 178725 (VCV000178725.28), dbSNP rs10269582, ClinGen allele CA182891.